The following is an entry in ClinVar:

ClinVar aggregate classification (germline): Uncertain significance (1 of 4 stars; one submission).

Conditions:
Cerebellar hypoplasia-intellectual disability-congenital microcephaly-dystonia-anemia-growth retardation syndrome. Also called: CIMDAG SYNDROME; CEREBELLAR HYPOPLASIA, CATARACTS, IMPAIRED INTELLECTUAL DEVELOPMENT, CONGENITAL MICROCEPHALY, DYSTONIA, DYSERYTHROPOIETIC ANEMIA, AND GROWTH RETARDATION. Identifiers: Orphanet 603448, MedGen C5543287, MONDO:0035819, OMIM 619273.

Allele frequency attached by ClinVar (database versions not stated): TOPMed 0.00001.
gnomAD v4.1: 27 of 1,588,998 alleles (0.0017%); highest among the groups gnomAD compares: Non-Finnish European, 0.0021%; no homozygotes.

Submission:

Neuberg Centre For Genomic Medicine, NCGM
Classification: Uncertain significance for Cerebellar hypoplasia-intellectual disability-congenital microcephaly-dystonia-anemia-growth retardation syndrome. Last evaluated: 2023-03-01. Review status: criteria provided, single submitter. Criteria: ACMG Guidelines, 2015. Collection method: clinical testing. Allele origin: germline. Inheritance: Autosomal dominant inheritance. Affected: yes.
Comment: The missense c.944C>T (p.Thr315Met)variant in VPS4A gene has not been reported previously as a pathogenic variant nor as a benign variant, to our knowledge. The p.Thr315Met variant has allele freuency 0.0005% in gnomAD Exomes and is novel (not in any individuals) in 1000 Genomes. This variant has not been reported to the ClinVar database. The amino acid change p.Thr315Met in VPS4A is predicted as conserved by GERP++ and PhyloP across 100 vertebrates. The amino acid Thr at position 315 is changed to a Met changing protein sequence and it might alter its composition and physico-chemical properties. For these reasons, this variant has been classified as Variant of Uncertain Significance (VUS).

NM_013245.3(VPS4A):c.944C>T (p.Thr315Met)

Gene: VPS4A (vacuolar protein sorting 4 homolog A; plus strand). Cytogenetic location: 16q22.1.
Variant type: single nucleotide variant.
Coding change: c.944C>T on transcript NM_013245.3 (MANE Select); coding-DNA position 944, C replaced by T.
Protein change: p.Thr315Met; replaces threonine 315 with methionine.
Molecular consequence: missense variant.
Genome position (GRCh38, 1-based): chr16:69,321,143, C>T. VCF-style: chr16-69321143-C-T. GRCh37 (hg19) VCF-style: chr16-69355046-C-T.
Other names: short protein forms T315M.
Identifiers: ClinVar variation 2671748 (VCV002671748.1), dbSNP rs1443596563, ClinGen allele CA396472717.